The following is an entry in ClinVar:

ClinVar aggregate classification (germline): Likely pathogenic (1 of 4 stars; one submission).

Conditions:
Bifunctional peroxisomal enzyme deficiency (DBIF). Also called: DBP DEFICIENCY; PBFE DEFICIENCY; D-bifunctional protein deficiency. Identifiers: Orphanet 300, MedGen C0342870, MONDO:0009855, OMIM 261515. Disease mechanism: loss of function.
Perrault syndrome. Also called: Gonadal dysgenesis with auditory dysfunction, autosomal recessive inheritance. Identifiers: Orphanet 2855, MedGen C0685838, MONDO:0017312.

Submission:

Labcorp Genetics (formerly Invitae), Labcorp
Classification: Likely pathogenic for Perrault syndrome; Bifunctional peroxisomal enzyme deficiency. Last evaluated: 2023-06-11. Review status: criteria provided, single submitter. Criteria: Invitae Variant Classification Sherloc (09022015). Collection method: clinical testing. Allele origin: germline.
Comment: This sequence change affects a donor splice site in intron 14 of the HSD17B4 gene. It is expected to disrupt RNA splicing. Variants that disrupt the donor or acceptor splice site typically lead to a loss of protein function (PMID: 16199547), and loss-of-function variants in HSD17B4 are known to be pathogenic (PMID: 11810648, 16385454, 20673864). This variant is not present in population databases (gnomAD no frequency). This variant has not been reported in the literature in individuals affected with HSD17B4-related conditions. Algorithms developed to predict the effect of sequence changes on RNA splicing suggest that this variant may disrupt the consensus splice site. In summary, the currently available evidence indicates that the variant is pathogenic, but additional data are needed to prove that conclusively. Therefore, this variant has been classified as Likely Pathogenic.

Literature cited by the submitters: PubMed 16199547; PubMed 11810648; PubMed 16385454; PubMed 20673864.

NM_000414.4(HSD17B4):c.1261+1G>T

Gene: HSD17B4 (hydroxysteroid 17-beta dehydrogenase 4; plus strand). Cytogenetic location: 5q23.1.
Variant type: single nucleotide variant.
Coding change: c.1261+1G>T on transcript NM_000414.4 (MANE Select); the canonical splice donor site of the intron after coding-DNA position 1261, G replaced by T.
Molecular consequence: splice donor variant.
Genome position (GRCh38, 1-based): chr5:119,502,093, G>T. VCF-style: chr5-119502093-G-T. GRCh37 (hg19) VCF-style: chr5-118837788-G-T.
Other names: c.850+1G>T (NM_001374503.1, NM_001374502.1, NM_001374501.1); c.1336+1G>T (NM_001199291.3); c.934+1G>T (NM_001374499.1); c.820+1G>T (NM_001374500.1); c.841+1G>T (NM_001292028.2); c.1189+1G>T (NM_001292027.2); c.1261+1G>T (NM_001374498.1); c.1252+1G>T (NM_001374497.1); and 1 more.
Identifiers: ClinVar variation 2948773 (VCV002948773.3), dbSNP rs2531760272, ClinGen allele CA360868485.